The following is an entry in ClinVar:

NM_213607.3(DNAAF19):c.146G>C (p.Gly49Ala)

Gene: DNAAF19 (dynein axonemal assembly factor 19; plus strand). Cytogenetic location: 17q21.31.
Variant type: single nucleotide variant.
Coding change: c.146G>C on transcript NM_213607.3 (MANE Select); coding-DNA position 146, G replaced by C.
Protein change: p.Gly49Ala; replaces glycine 49 with alanine.
Molecular consequence: missense variant.
Genome position (GRCh38, 1-based): chr17:44,901,522, G>C. VCF-style: chr17-44901522-G-C. GRCh37 (hg19) VCF-style: chr17-42978890-G-C.
Other names: c.146G>C (NM_213607.1); c.146G>C, p.Gly49Ala (NM_001258395.2, NM_001258396.2, NM_001258397.3 and 2 more transcripts); short protein forms G49A.
Identifiers: ClinVar variation 944673 (VCV000944673.9), dbSNP rs148724732, ClinGen allele CA8608296.

ClinVar aggregate classification (germline): Uncertain significance. Review status: criteria provided, multiple submitters, no conflicts (2 of 4 stars). 2 submissions from 2 submitters: Uncertain significance (2). Last evaluated 2023-06-05.

Conditions:
Primary ciliary dyskinesia. Also called: Ciliary dyskinesia. Identifiers: Orphanet 244, MedGen C0008780, MONDO:0016575, HP:0012265.

Allele frequency attached by ClinVar (database versions not stated): TOPMed 0.00012.
gnomAD v4.1: 41 of 1,614,106 alleles (0.0025%); highest among the groups gnomAD compares: Admixed American, 0.025%; no homozygotes.

Submissions (2):

Ambry Genetics
Classification: Uncertain significance for Primary ciliary dyskinesia. Last evaluated: 2023-06-05. Review status: criteria provided, single submitter. Criteria: Ambry Variant Classification Scheme 2023. Collection method: clinical testing. Allele origin: germline.
Comment: The p.G49A variant (also known as c.146G>C), located in coding exon 2 of the CCDC103 gene, results from a G to C substitution at nucleotide position 146. The glycine at codon 49 is replaced by alanine, an amino acid with similar properties. This variant was identified in a primary ciliary dyskinesia cohort; however, complete genotype and phenotype information was not provided (De Jes&uacute;s-Rojas W et al. Diagnostics (Basel), 2022 May;12:). This amino acid position is poorly conserved in available vertebrate species. In addition, this alteration is predicted to be tolerated by in silico analysis. Since supporting evidence is limited at this time, the clinical significance of this alteration remains unclear.

Labcorp Genetics (formerly Invitae), Labcorp
Classification: Uncertain significance for Primary ciliary dyskinesia. Last evaluated: 2022-10-24. Review status: criteria provided, single submitter. Criteria: Invitae Variant Classification Sherloc (09022015). Collection method: clinical testing. Allele origin: germline.
Comment: This sequence change replaces glycine, which is neutral and non-polar, with alanine, which is neutral and non-polar, at codon 49 of the CCDC103 protein (p.Gly49Ala). This variant is present in population databases (rs148724732, gnomAD 0.03%). This variant has not been reported in the literature in individuals affected with CCDC103-related conditions. ClinVar contains an entry for this variant (Variation ID: 944673). Algorithms developed to predict the effect of missense changes on protein structure and function output the following: SIFT: "Tolerated"; PolyPhen-2: "Benign"; Align-GVGD: "Class C0". The alanine amino acid residue is found in multiple mammalian species, which suggests that this missense change does not adversely affect protein function. In summary, the available evidence is currently insufficient to determine the role of this variant in disease. Therefore, it has been classified as a Variant of Uncertain Significance.

Literature cited by the submitters: PubMed 35626283 (cited by Ambry Genetics).